The following is an entry in ClinVar:

NM_001145358.2(SIN3A):c.1352C>G (p.Ser451Cys)

Gene: SIN3A (SIN3 transcription regulator family member A; minus strand). Cytogenetic location: 15q24.2.
Variant type: single nucleotide variant.
Coding change: c.1352C>G on transcript NM_001145358.2 (MANE Select); coding-DNA position 1352, C replaced by G.
Protein change: p.Ser451Cys; replaces serine 451 with cysteine.
Molecular consequence: missense variant.
Genome position (GRCh38, 1-based): chr15:75,407,110, G>C on the plus strand (C>G on the coding strand, the complement: SIN3A is on the minus strand). VCF-style: chr15-75407110-G-C. GRCh37 (hg19) VCF-style: chr15-75699451-G-C.
Other names: c.1352C>G, p.Ser451Cys (NM_001145357.2, NM_015477.3); short protein forms S451C.
Identifiers: ClinVar variation 3369901 (VCV003369901.2).

ClinVar aggregate classification (germline): Uncertain significance. Review status: criteria provided, multiple submitters, no conflicts (2 of 4 stars). 2 submissions from 2 submitters: Uncertain significance (2). Last evaluated 2025-01-23.

Conditions:
Inborn genetic diseases. Identifiers: MedGen C0950123, MeSH D030342.

gnomAD v4.1: 1 of 1,612,786 alleles (0.000062%); highest among the groups gnomAD compares: Non-Finnish European, 0.000085%; no homozygotes.

Submissions (2):

Ambry Genetics
Classification: Uncertain significance for Inborn genetic diseases. Last evaluated: 2025-01-23. Review status: criteria provided, single submitter. Criteria: Ambry Variant Classification Scheme 2023. Collection method: clinical testing. Allele origin: germline.

GeneDx
Classification: Uncertain significance. Last evaluated: 2024-02-26. Review status: criteria provided, single submitter. Criteria: GeneDx Variant Classification Process June 2021. Collection method: clinical testing. Allele origin: germline. Affected: yes.
Comment: Not observed at significant frequency in large population cohorts (gnomAD); In silico analysis supports that this missense variant has a deleterious effect on protein structure/function; Has not been previously published as pathogenic or benign to our knowledge